The following is an entry in ClinVar:

NM_015041.3(CLUAP1):c.58C>T (p.Arg20Ter)

Gene: CLUAP1 (clusterin associated protein 1; plus strand). Cytogenetic location: 16p13.3.
Variant type: single nucleotide variant.
Coding change: c.58C>T on transcript NM_015041.3 (MANE Select); coding-DNA position 58, C replaced by T.
Protein change: p.Arg20Ter; replaces arginine 20 with a stop codon.
Molecular consequence: nonsense.
Genome position (GRCh38, 1-based): chr16:3,504,755, C>T. VCF-style: chr16-3504755-C-T. GRCh37 (hg19) VCF-style: chr16-3554755-C-T.
Other names: c.58C>T, p.Arg20Ter (NM_001330454.2); short protein forms R20*.
Identifiers: ClinVar variation 1423521 (VCV001423521.6), dbSNP rs759248659, ClinGen allele CA7863583.
Genomic context (GRCh38, chr16:3,504,755, plus strand): 5'-ATGAATTGTATTTTTCCTTGGACAGATTTCACAGAGATGATGAGAGCCCTGGGATACCCT[C>T]GACATATTTCTATGGAAAATTTCCGTACACCCAATTTTGGACTTGTATCTGAAGTGCTTC-3'

ClinVar aggregate classification (germline): Uncertain significance (1 of 4 stars; one submission).

Allele frequency attached by ClinVar (database versions not stated): gnomAD 0.00001; TOPMed 0.00003.
gnomAD v4.1: 27 of 1,612,086 alleles (0.0017%); highest among the groups gnomAD compares: East Asian, 0.0067%; no homozygotes.

Submission:

Labcorp Genetics (formerly Invitae), Labcorp
Classification: Uncertain significance. Last evaluated: 2025-09-14. Review status: criteria provided, single submitter. Criteria: Invitae Variant Classification Sherloc (09022015). Collection method: clinical testing. Allele origin: germline.
Comment: This sequence change creates a premature translational stop signal (p.Arg20*) in the CLUAP1 gene. It is expected to result in an absent or disrupted protein product. However, the current clinical and genetic evidence is not sufficient to establish whether loss-of-function variants in CLUAP1 cause disease. This variant is present in population databases (rs759248659, gnomAD 0.006%). This variant has not been reported in the literature in individuals affected with CLUAP1-related conditions. ClinVar contains an entry for this variant (Variation ID: 1423521). Algorithms developed to predict the effect of sequence changes on RNA splicing suggest that this variant may disrupt the consensus splice site. In summary, the available evidence is currently insufficient to determine the role of this variant in disease. Therefore, it has been classified as a Variant of Uncertain Significance.